The following is an entry in ClinVar:

ClinVar aggregate classification (germline): Uncertain significance. Review status: criteria provided, multiple submitters, no conflicts (2 of 4 stars). 3 submissions from 3 submitters: Uncertain significance (3). Last evaluated 2025-01-05.

Conditions:
Inborn genetic diseases. Identifiers: MedGen C0950123, MeSH D030342.
HERC1-related disorder. Also called: HERC1-related condition.

Allele frequency attached by ClinVar (database versions not stated): TOPMed 0.00015; ESP Exome Variant Server 0.00016; ExAC 0.00018; gnomAD 0.00019; gnomAD exomes 0.00020.
gnomAD v4.1: 324 of 1,613,782 alleles (0.02%); highest among the groups gnomAD compares: Non-Finnish European, 0.026%; no homozygotes.

Submissions (3):

PreventionGenetics, part of Exact Sciences
Classification: Uncertain significance for HERC1-related condition. Last evaluated: 2025-01-05. Review status: criteria provided, single submitter. Criteria: ACMG Guidelines, 2015. Collection method: clinical testing. Allele origin: germline.
Comment: The HERC1 c.827C>A variant is predicted to result in the amino acid substitution p.Ala276Glu. To our knowledge, this variant has not been reported in the literature. This variant is reported in 0.032% of alleles in individuals of European (Non-Finnish) descent in gnomAD. At this time, the clinical significance of this variant is uncertain due to the absence of conclusive functional and genetic evidence.

GeneDx
Classification: Uncertain significance. Last evaluated: 2023-08-30. Review status: criteria provided, single submitter. Criteria: GeneDx Variant Classification Process June 2021. Collection method: clinical testing. Allele origin: germline. Affected: yes.
Comment: In silico analysis supports that this missense variant does not alter protein structure/function; Has not been previously published as pathogenic or benign to our knowledge

Ambry Genetics
Classification: Uncertain significance for Inborn genetic diseases. Last evaluated: 2023-02-08. Review status: criteria provided, single submitter. Criteria: Ambry Variant Classification Scheme 2023. Collection method: clinical testing. Allele origin: germline.

NM_003922.4(HERC1):c.827C>A (p.Ala276Glu)

Gene: HERC1 (HECT and RLD domain containing E3 ubiquitin protein ligase family member 1; minus strand). Cytogenetic location: 15q22.31.
Variant type: single nucleotide variant.
Coding change: c.827C>A on transcript NM_003922.4 (MANE Select); coding-DNA position 827, C replaced by A.
Protein change: p.Ala276Glu; replaces alanine 276 with glutamic acid.
Molecular consequence: missense variant.
Genome position (GRCh38, 1-based): chr15:63,774,797, G>T on the plus strand (C>A on the coding strand, the complement: HERC1 is on the minus strand). VCF-style: chr15-63774797-G-T. GRCh37 (hg19) VCF-style: chr15-64066996-G-T.
Other names: short protein forms A276E.
Identifiers: ClinVar variation 1878688 (VCV001878688.6), dbSNP rs201631505, ClinGen allele CA7606605.